The following is an entry in ClinVar:

ClinVar aggregate classification (germline): Pathogenic. Review status: criteria provided, multiple submitters, no conflicts (2 of 4 stars). 3 submissions from 3 submitters: Pathogenic (3). Last evaluated 2021-07-15.

Conditions:
Cornelia de Lange syndrome 1 (CDLS1). Also called: Brachmann de Lange syndrome; TYPUS DEGENERATIVUS AMSTELODAMENSIS; NIPBL-Related Cornelia de Lange Syndrome. Identifiers: Orphanet 199, MedGen C4551851, MONDO:0007387, OMIM 122470.

Submissions (3):

Genome-Nilou Lab
Classification: Pathogenic for Cornelia de Lange syndrome 1. Last evaluated: 2021-07-15. Review status: criteria provided, single submitter. Criteria: ACMG Guidelines, 2015. Collection method: clinical testing. Allele origin: germline. Affected: no.

Labcorp Genetics (formerly Invitae), Labcorp
Classification: Pathogenic for Cornelia de Lange syndrome 1. Last evaluated: 2019-05-31. Review status: criteria provided, single submitter. Criteria: Invitae Variant Classification Sherloc (09022015). Collection method: clinical testing. Allele origin: germline.
Comment: For these reasons, this variant has been classified as Pathogenic. Loss-of-function variants in NIPBL are known to be pathogenic (PMID: 15318302, 19763162, 23505322, 29995837). This variant has not been reported in the literature in individuals with NIPBL-related conditions. ClinVar contains an entry for this variant (Variation ID: 546560). This variant is not present in population databases (ExAC no frequency). This sequence change creates a premature translational stop signal (p.Cys1754*) in the NIPBL gene. It is expected to result in an absent or disrupted protein product.

GeneDx
Classification: Pathogenic. Last evaluated: 2018-06-04. Review status: criteria provided, single submitter. Criteria: GeneDx Variant Classification (06012015). Collection method: clinical testing. Allele origin: germline. Affected: yes.
Comment: The C1754X nonsense variant in the NIPBL gene is predicted to cause loss of normal protein function either through protein truncation or nonsense-mediated mRNA decay. The C1754X variant is not observed in large population cohorts (Lek et al., 2016).

Literature cited by the submitters: PubMed 15318302 (cited by Labcorp Genetics (formerly Invitae), Labcorp); PubMed 19763162 (cited by Labcorp Genetics (formerly Invitae), Labcorp); PubMed 23505322 (cited by Labcorp Genetics (formerly Invitae), Labcorp); PubMed 29995837 (cited by Labcorp Genetics (formerly Invitae), Labcorp).

NM_133433.4(NIPBL):c.5262C>A (p.Cys1754Ter)

Gene: NIPBL (NIPBL cohesin loading factor; plus strand). Cytogenetic location: 5p13.2.
Variant type: single nucleotide variant.
Coding change: c.5262C>A on transcript NM_133433.4 (MANE Select); coding-DNA position 5262, C replaced by A.
Protein change: p.Cys1754Ter; replaces cysteine 1754 with a stop codon.
Molecular consequence: nonsense.
Genome position (GRCh38, 1-based): chr5:37,020,811, C>A. VCF-style: chr5-37020811-C-A. GRCh37 (hg19) VCF-style: chr5-37020913-C-A.
Other names: c.5262C>A, p.Cys1754Ter (NM_015384.5); short protein forms C1754*.
Identifiers: ClinVar variation 546560 (VCV000546560.11), dbSNP rs1554025252, ClinGen allele CA359488029.
Genomic context (GRCh38, chr5:37,020,811, plus strand): 5'-ATTTTTAATGACTTTTTGTTGCAGGATGAACTCTGATACTGTGGACTATGATGATGCTTG[C>A]TTGATTGTTCGATACTTGGCCTCCATGAGGCCGTTTGCCCAGAGCTTTGATATTTATTTG-3'